The following is an entry in ClinVar:

ClinVar aggregate classification (germline): Likely pathogenic (1 of 4 stars; one submission).

Allele frequency attached by ClinVar (database versions not stated): gnomAD exomes 0.00001.

Submission:

Labcorp Genetics (formerly Invitae), Labcorp
Classification: Likely pathogenic. Last evaluated: 2022-11-16. Review status: criteria provided, single submitter. Criteria: Invitae Variant Classification Sherloc (09022015). Collection method: clinical testing. Allele origin: germline.
Comment: In summary, the currently available evidence indicates that the variant is pathogenic, but additional data are needed to prove that conclusively. Therefore, this variant has been classified as Likely Pathogenic. Algorithms developed to predict the effect of sequence changes on RNA splicing suggest that this variant may disrupt the consensus splice site. Disruption of this splice site has been observed in individual(s) with osteopetrosis (PMID: 22231430). This variant is not present in population databases (gnomAD no frequency). This sequence change affects an acceptor splice site in intron 2 of the TCIRG1 gene. It is expected to disrupt RNA splicing. Variants that disrupt the donor or acceptor splice site typically lead to a loss of protein function (PMID: 16199547), and loss-of-function variants in TCIRG1 are known to be pathogenic (PMID: 10888887, 10942435, 11532986, 19448635).

Literature cited by the submitters: PubMed 22231430; PubMed 16199547; PubMed 10888887; PubMed 10942435; PubMed 11532986; PubMed 19448635.

NM_006019.4(TCIRG1):c.118-1G>A

Gene: TCIRG1 (T cell immune regulator 1, ATPase H+ transporting V0 subunit a3; plus strand). Cytogenetic location: 11q13.2.
Variant type: single nucleotide variant.
Coding change: c.118-1G>A on transcript NM_006019.4 (MANE Select); the canonical splice acceptor site of the intron before coding-DNA position 118, G replaced by A.
Molecular consequence: splice acceptor variant.
Genome position (GRCh38, 1-based): chr11:68,041,752, G>A. VCF-style: chr11-68041752-G-A. GRCh37 (hg19) VCF-style: chr11-67809219-G-A.
Other names: c.-1132-1G>A (NM_001351059.2).
Identifiers: ClinVar variation 2735679 (VCV002735679.3), dbSNP rs2495609540, ClinGen allele CA381574205.